The following is an entry in ClinVar:

NM_022132.5(MCCC2):c.1601C>G (p.Pro534Arg)

Gene: MCCC2 (methylcrotonyl-CoA carboxylase subunit 2; plus strand). Cytogenetic location: 5q13.2.
Variant type: single nucleotide variant.
Coding change: c.1601C>G on transcript NM_022132.5 (MANE Select); coding-DNA position 1601, C replaced by G.
Protein change: p.Pro534Arg; replaces proline 534 with arginine.
Molecular consequence: missense variant.
Genome position (GRCh38, 1-based): chr5:71,656,769, C>G. VCF-style: chr5-71656769-C-G. GRCh37 (hg19) VCF-style: chr5-70952596-C-G.
Other names: c.1487C>G, p.Pro496Arg (NM_001363147.1); short protein forms P496R, P534R.
Identifiers: ClinVar variation 2014572 (VCV002014572.4), dbSNP rs2530870625, ClinGen allele CA360004108.

ClinVar aggregate classification (germline): Uncertain significance (1 of 4 stars; one submission).

Conditions:
3-methylcrotonyl-CoA carboxylase 2 deficiency. Also called: 3 alpha methylcrotonyl-CoA carboxylase 2 deficiency; 3 alpha methylcrotonylglycinuria 2; MCC 2 deficiency; Methylcrotonylglycinuria type 2; METHYLCROTONYLGLYCINURIA, TYPE II. Identifiers: Orphanet 6, MedGen C1859499, MONDO:0008862, OMIM 210210.

Submission:

Labcorp Genetics (formerly Invitae), Labcorp
Classification: Uncertain significance for 3-methylcrotonyl-CoA carboxylase 2 deficiency. Last evaluated: 2022-08-01. Review status: criteria provided, single submitter. Criteria: Invitae Variant Classification Sherloc (09022015). Collection method: clinical testing. Allele origin: germline.
Comment: In summary, the available evidence is currently insufficient to determine the role of this variant in disease. Therefore, it has been classified as a Variant of Uncertain Significance. Advanced modeling of protein sequence and biophysical properties (such as structural, functional, and spatial information, amino acid conservation, physicochemical variation, residue mobility, and thermodynamic stability) performed at Invitae indicates that this missense variant is expected to disrupt MCCC2 protein function. This variant has not been reported in the literature in individuals affected with MCCC2-related conditions. This variant is not present in population databases (gnomAD no frequency). This sequence change replaces proline, which is neutral and non-polar, with arginine, which is basic and polar, at codon 534 of the MCCC2 protein (p.Pro534Arg).